The following is an entry in ClinVar:

NM_024884.3(L2HGDH):c.802G>C (p.Glu268Gln)

Gene: L2HGDH (L-2-hydroxyglutarate dehydrogenase; minus strand). Cytogenetic location: 14q21.3.
Variant type: single nucleotide variant.
Coding change: c.802G>C on transcript NM_024884.3 (MANE Select); coding-DNA position 802, G replaced by C.
Protein change: p.Glu268Gln; replaces glutamic acid 268 with glutamine.
Molecular consequence: missense variant.
Genome position (GRCh38, 1-based): chr14:50,269,267, C>G on the plus strand (G>C on the coding strand, the complement: L2HGDH is on the minus strand). VCF-style: chr14-50269267-C-G. GRCh37 (hg19) VCF-style: chr14-50735985-C-G.
Other names: short protein forms E268Q.
Identifiers: ClinVar variation 432279 (VCV000432279.3), dbSNP rs755596970, ClinGen allele CA7177884.

ClinVar aggregate classification (germline): Uncertain significance. Review status: criteria provided, multiple submitters, no conflicts (2 of 4 stars). 2 submissions from 2 submitters: Uncertain significance (2). Last evaluated 2024-08-04.

Conditions:
Inborn genetic diseases. Identifiers: MedGen C0950123, MeSH D030342.

Allele frequency attached by ClinVar (database versions not stated): TOPMed below 0.00001; ExAC 0.00001; gnomAD 0.00001; gnomAD exomes 0.00002 and 0.00004.
gnomAD v4.1: 62 of 1,613,976 alleles (0.0038%); highest among the groups gnomAD compares: Non-Finnish European, 0.0051%; no homozygotes.

Submissions (2):

Ambry Genetics
Classification: Uncertain significance for Inborn genetic diseases. Last evaluated: 2024-08-04. Review status: criteria provided, single submitter. Criteria: Ambry Variant Classification Scheme 2023. Collection method: clinical testing. Allele origin: germline.

GeneDx
Classification: Uncertain significance. Last evaluated: 2017-05-31. Review status: criteria provided, single submitter. Criteria: GeneDx Variant Classification (06012015). Collection method: clinical testing. Allele origin: germline. Affected: yes.
Comment: The E268Q variant in the L2HGDH gene has not been reported previously as a pathogenic variant, nor as a benign variant, to our knowledge. The E268Q variant is not observed at a significant frequency in large population cohorts (Lek et al., 2016; 1000 Genomes Consortium et al., 2015; Exome Variant Server). The E268Q variant is a semi-conservative amino acid substitution, which may impact secondary protein structure as these residues differ in some properties. This substitution occurs at a position that is conserved in mammals. In silico analysis is inconsistent in its predictions as to whether or not the variant is damaging to the protein structure/function. We interpret E268Q as a variant of uncertain significance.